The following is an entry in ClinVar:

ClinVar aggregate classification (germline): Pathogenic/Likely pathogenic. Review status: criteria provided, multiple submitters, no conflicts (2 of 4 stars). 3 submissions from 3 submitters: Pathogenic (1); Likely pathogenic (1). 1 of the submissions does not count toward it. Last evaluated 2021-09-02.

Conditions:
46,XY sex reversal 2. Also called: NR0B1-Related 46,XY CGD; NR0B1-related 46,XY complete gonadal dysgenesis; 46,XY SEX REVERSAL, DAX1-RELATED; 46XY sex reversal 2, dosage-sensitive; Dosage-sensitive sex reversal. Identifiers: MedGen C1848296, MONDO:0010226, OMIM 300018.
Congenital adrenal hypoplasia, X-linked (AHC). Also called: Isolated X-Linked Adrenal Hypoplasia Congenita; ADRENAL HYPOPLASIA, CONGENITAL, WITH HYPOGONADOTROPIC HYPOGONADISM; X-linked AHC; X-Linked Adrenal Hypoplasia Congenita. Identifiers: Orphanet 95702, MedGen C0342482, MONDO:0010264, OMIM 300200. Disease mechanism: loss of function.

Submissions (3):

Labcorp Genetics (formerly Invitae), Labcorp
Classification: Likely pathogenic for Congenital adrenal hypoplasia, X-linked; 46,XY sex reversal 2. Last evaluated: 2021-09-02. Review status: criteria provided, single submitter. Criteria: Invitae Variant Classification Sherloc (09022015). Collection method: clinical testing. Allele origin: germline.
Comment: Algorithms developed to predict the effect of missense changes on protein structure and function (SIFT, PolyPhen-2, Align-GVGD) all suggest that this variant is likely to be disruptive. In summary, the currently available evidence indicates that the variant is pathogenic, but additional data are needed to prove that conclusively. Therefore, this variant has been classified as Likely Pathogenic. Experimental studies have shown that this missense change affects NR0B1 function (PMID: 10848616, 11443184, 16459121, 20573681). ClinVar contains an entry for this variant (Variation ID: 10952). This missense change has been observed in individuals with X-linked congenital adrenal hypoplasia (PMID: 7990958, 21925982). It has also been observed to segregate with disease in related individuals. This variant is not present in population databases (ExAC no frequency). This sequence change replaces arginine with proline at codon 267 of the NR0B1 protein (p.Arg267Pro). The arginine residue is highly conserved and there is a moderate physicochemical difference between arginine and proline.

Institute of Human Genetics Munich, TUM University Hospital
Classification: Pathogenic for Congenital adrenal hypoplasia, X-linked. Last evaluated: 2017-10-05. Review status: criteria provided, single submitter. Criteria: Classification criteria August 2017. Collection method: clinical testing. Allele origin: maternal. Inheritance: X-linked recessive inheritance. Affected: yes. Observed: 2 hemizygotes.

OMIM
Classification: Pathogenic for ADRENAL HYPOPLASIA, CONGENITAL. Last evaluated: 2000-07-01. Review status: no assertion criteria provided. Collection method: literature only. Allele origin: germline. Not counted in ClinVar's aggregate classification.

Literature cited by the submitters: PubMed 10848616 (cited by Labcorp Genetics (formerly Invitae), Labcorp and OMIM); PubMed 11443184 (cited by Labcorp Genetics (formerly Invitae), Labcorp); PubMed 16459121 (cited by Labcorp Genetics (formerly Invitae), Labcorp); PubMed 20573681 (cited by Labcorp Genetics (formerly Invitae), Labcorp); PubMed 7990958 (cited by 3 submitters); PubMed 21925982 (cited by Labcorp Genetics (formerly Invitae), Labcorp); PubMed 9415399 (cited by OMIM).

NM_000475.5(NR0B1):c.800G>C (p.Arg267Pro)

Gene: NR0B1 (nuclear receptor subfamily 0 group B member 1; minus strand). Cytogenetic location: Xp21.2.
Variant type: single nucleotide variant.
Coding change: c.800G>C on transcript NM_000475.5 (MANE Select); coding-DNA position 800, G replaced by C.
Protein change: p.Arg267Pro; replaces arginine 267 with proline.
Molecular consequence: missense variant.
Genome position (GRCh38, 1-based): chrX:30,308,564, C>G on the plus strand (G>C on the coding strand, the complement: NR0B1 is on the minus strand). VCF-style: chrX-30308564-C-G. GRCh37 (hg19) VCF-style: chrX-30326681-C-G.
Other names: short protein forms R267P.
Identifiers: ClinVar variation 10952 (VCV000010952.8), dbSNP rs104894888, ClinGen allele CA255621.